The following is an entry in ClinVar:

NM_000081.4(LYST):c.5785-307G>A

Gene: LYST (lysosomal trafficking regulator; minus strand). Cytogenetic location: 1q42.3.
Variant type: single nucleotide variant.
Coding change: c.5785-307G>A on transcript NM_000081.4 (MANE Select); 307 bases into the intron before coding-DNA position 5785, G replaced by A.
Molecular consequence: intron variant.
Genome position (GRCh38, 1-based): chr1:235,770,604, C>T on the plus strand (G>A on the coding strand, the complement: LYST is on the minus strand). VCF-style: chr1-235770604-C-T. GRCh37 (hg19) VCF-style: chr1-235933904-C-T.
Other names: c.5785-307G>A (NM_001301365.1).
Identifiers: ClinVar variation 684352 (VCV000684352.1), dbSNP rs6668388, ClinGen allele CA39620269.
Genomic context (GRCh38, chr1:235,770,604, plus strand): 5'-GCATTAAATGTATTTTCAAAAGATGAATTATCAAGAGGGATTATTCAAATTAGAGAAGCA[C>T]ACACATTACCAACATTATTGTTTTTAAATAATTTATGTTCAAAGAGTGTTGTTAAAAATG-3'

ClinVar aggregate classification (germline): Benign (1 of 4 stars; one submission).

Allele frequency attached by ClinVar (database versions not stated): 1000 Genomes Project 0.40994; 1000 Genomes Project 30x 0.42692; gnomAD 0.50078 and 0.52095; TOPMed 0.50943.
gnomAD v4.1: 75,931 of 152,006 alleles (50%); highest among the groups gnomAD compares: African/African-American, 82%; 22,416 homozygotes.

Submission:

GeneDx
Classification: Benign. Last evaluated: 2018-06-19. Review status: criteria provided, single submitter. Criteria: GeneDx Variant Classification (06012015). Collection method: clinical testing. Allele origin: germline. Affected: yes.
Comment: This variant is considered likely benign or benign based on one or more of the following criteria: it is a conservative change, it occurs at a poorly conserved position in the protein, it is predicted to be benign by multiple in silico algorithms, and/or has population frequency not consistent with disease.